The following is an entry in ClinVar:

ClinVar aggregate classification (germline): Uncertain significance (1 of 4 stars; one submission).

Conditions:
Familial thoracic aortic aneurysm and aortic dissection (TAAD). Also called: Thoracic aortic aneurysms and dissections. Identifiers: Orphanet 91387, MedGen C4707243, MONDO:0019625.

Submission:

Ambry Genetics
Classification: Uncertain significance for Familial thoracic aortic aneurysm and aortic dissection. Last evaluated: 2024-04-18. Review status: criteria provided, single submitter. Criteria: Ambry Variant Classification Scheme 2023. Collection method: clinical testing. Allele origin: germline.
Comment: The p.N360I variant (also known as c.1079A>T), located in coding exon 2 of the SLC2A10 gene, results from an A to T substitution at nucleotide position 1079. The asparagine at codon 360 is replaced by isoleucine, an amino acid with dissimilar properties. This amino acid position is conserved. In addition, this alteration is predicted to be tolerated by in silico analysis. Based on the available evidence, the clinical significance of this variant remains unclear.

NM_030777.4(SLC2A10):c.1079A>T (p.Asn360Ile)

Gene: SLC2A10 (solute carrier family 2 member 10; plus strand). Cytogenetic location: 20q13.12.
Variant type: single nucleotide variant.
Coding change: c.1079A>T on transcript NM_030777.4 (MANE Select); coding-DNA position 1079, A replaced by T.
Protein change: p.Asn360Ile; replaces asparagine 360 with isoleucine.
Molecular consequence: missense variant.
Genome position (GRCh38, 1-based): chr20:46,726,115, A>T. VCF-style: chr20-46726115-A-T. GRCh37 (hg19) VCF-style: chr20-45354754-A-T.
Other names: short protein forms N360I.
Identifiers: ClinVar variation 3319432 (VCV003319432.1).